The following is an entry in ClinVar:

NM_001365951.3(KIF1B):c.4000C>G (p.Leu1334Val)

Gene: KIF1B (kinesin family member 1B; plus strand). Cytogenetic location: 1p36.22.
Variant type: single nucleotide variant.
Coding change: c.4000C>G on transcript NM_001365951.3 (MANE Select); coding-DNA position 4000, C replaced by G.
Protein change: p.Leu1334Val; replaces leucine 1334 with valine.
Molecular consequence: missense variant.
Genome position (GRCh38, 1-based): chr1:10,352,681, C>G. VCF-style: chr1-10352681-C-G. GRCh37 (hg19) VCF-style: chr1-10412739-C-G.
Other names: c.4000C>G, p.Leu1334Val (NM_001365952.1); c.3862C>G, p.Leu1288Val (NM_015074.3); short protein forms L1334V, L1288V.
Identifiers: ClinVar variation 4841868 (VCV004841868.1).

ClinVar aggregate classification (germline): Uncertain significance (1 of 4 stars; one submission).

Submission:

Ambry Genetics
Classification: Uncertain significance. Last evaluated: 2025-12-21. Review status: criteria provided, single submitter. Criteria: Ambry Variant Classification Scheme 2023. Collection method: clinical testing. Allele origin: germline.
Comment: The p.L1288V variant (also known as c.3862C>G), located in coding exon 35 of the KIF1B gene, results from a C to G substitution at nucleotide position 3862. The leucine at codon 1288 is replaced by valine, an amino acid with highly similar properties. This amino acid position is conserved. In addition, the in silico prediction for this alteration is inconclusive. Based on the available evidence, the clinical significance of this variant remains unclear.